The following is an entry in ClinVar:

ClinVar aggregate classification (germline): Uncertain significance (1 of 4 stars; one submission).

Submission:

GeneDx
Classification: Uncertain significance. Last evaluated: 2022-09-21. Review status: criteria provided, single submitter. Criteria: GeneDx Variant Classification Process June 2021. Collection method: clinical testing. Allele origin: germline. Affected: yes.
Comment: Not observed at significant frequency in large population cohorts (gnomAD); In silico analysis supports that this missense variant has a deleterious effect on protein structure/function; Has not been previously published as pathogenic or benign to our knowledge

NM_001130438.3(SPTAN1):c.4357G>C (p.Asp1453His)

Gene: SPTAN1 (spectrin alpha, non-erythrocytic 1; plus strand). Cytogenetic location: 9q34.11.
Variant type: single nucleotide variant.
Coding change: c.4357G>C on transcript NM_001130438.3 (MANE Select); coding-DNA position 4357, G replaced by C.
Protein change: p.Asp1453His; replaces aspartic acid 1453 with histidine.
Molecular consequence: missense variant.
Genome position (GRCh38, 1-based): chr9:128,608,142, G>C. VCF-style: chr9-128608142-G-C. GRCh37 (hg19) VCF-style: chr9-131370421-G-C.
Other names: c.4297G>C, p.Asp1433His (NM_001195532.2, NM_001363765.2, NM_001375314.2); c.4357G>C, p.Asp1453His (NM_001363759.2, NM_001375310.1, NM_001375311.2 and 2 more transcripts); c.4393G>C, p.Asp1465His (NM_001375312.2, NM_001375318.1); short protein forms D1433H, D1453H, D1465H.
Identifiers: ClinVar variation 2446093 (VCV002446093.1), dbSNP rs1009191024, ClinGen allele CA375066816.
Genomic context (GRCh38, chr9:128,608,142, plus strand): 5'-TCCTTGCTGAAGGGCCTCATTTTCTCACCTGCCTCTTGCCCTCTTTAGCTGTTCCATCGG[G>C]ACTGTGAGCAAGCTGAGAACTGGATGGCTGCCCGGGAGGCCTTCTTGAATACCGAAGACA-3'
Protein context (NP_001123910.1, residues 1443-1463): QCLELQLFHR[Asp1453His]CEQAENWMAA